The following is an entry in ClinVar:

NM_000284.4(PDHA1):c.454T>A (p.Ser152Thr)

Gene: PDHA1 (pyruvate dehydrogenase E1 subunit alpha 1; plus strand). Cytogenetic location: Xp22.12.
Variant type: single nucleotide variant.
Coding change: c.454T>A on transcript NM_000284.4 (MANE Select); coding-DNA position 454, T replaced by A.
Protein change: p.Ser152Thr; replaces serine 152 with threonine.
Molecular consequence: missense variant.
Genome position (GRCh38, 1-based): chrX:19,353,117, T>A. VCF-style: chrX-19353117-T-A. GRCh37 (hg19) VCF-style: chrX-19371235-T-A.
Other names: c.568T>A, p.Ser190Thr (NM_001173454.2); c.475T>A, p.Ser159Thr (NM_001173455.2); c.454T>A, p.Ser152Thr (NM_001173456.2); short protein forms S152T, S159T, S190T.
Identifiers: ClinVar variation 4070327 (VCV004070327.1).

ClinVar aggregate classification (germline): Likely pathogenic (0 of 4 stars; one submission).

Conditions:
Pyruvate dehydrogenase E1-alpha deficiency (PDHAD). Also called: ATAXIA, INTERMITTENT, WITH PYRUVATE DEHYDROGENASE DEFICIENCY; ATAXIA WITH LACTIC ACIDOSIS I; ATAXIA, INTERMITTENT, WITH ABNORMAL PYRUVATE METABOLISM; Ataxia, intermittent, with pyruvate dehydrogenase, or decarboxylase, deficiency. Identifiers: Orphanet 79243, MedGen C1839413, MONDO:0010717, OMIM 312170.

Submission:

PDHA1 Study Group, University Children’s Hospital, Paracelsus Medical University
Classification: Likely pathogenic for Pyruvate dehydrogenase E1-alpha deficiency. Last evaluated: 2024-10-15. Review status: no assertion criteria provided. Collection method: research. Allele origin: de novo. Affected: yes. Observed: 1 variant allele.
Comment: The NM_000284.3:c.454T>A (p.Ser152Thr) substitution is a missense variant in PDHA1 gene. Among them, 1 case had confirmed de novo occurrence. Last literature search: July 12, 2024. This variant is absent or extremely rare in population-based cohorts in the Genome Aggregation Database (gnomAD). Individuals harboring this variant presented with clinical features compatible with PDHA1-related PDHc deficiency. In summary, this variant meets criteria to be classified as likely pathogenic (LP) for PDHA1-related PDHc deficiency based on the ACMG/AMP criteria applied: PS2, PM2, PM7, PP3 (last assessment October 15, 2024).

Literature cited by the submitters: DOI 10.1093/brain/awaf430.